The following is an entry in ClinVar:

ClinVar aggregate classification (germline): Likely pathogenic (1 of 4 stars; one submission).

Submission:

ARUP Laboratories, Molecular Genetics and Genomics, ARUP Laboratories
Classification: Likely pathogenic. Last evaluated: 2023-03-08. Review status: criteria provided, single submitter. Criteria: ARUP Molecular Germline Variant Investigation Process 2024. Collection method: clinical testing. Allele origin: germline.
Comment: The NF1 c.1506dup; p.Asp503ArgfsTer8 variant, to our knowledge, is not reported in the medical literature or gene specific databases. This variant is also absent from the Genome Aggregation Database, indicating it is not a common polymorphism. This variant causes a frameshift by inserting a single nucleotide, so it is predicted to result in a truncated protein or mRNA subject to nonsense-mediated decay. Based on available information, this variant is considered to be likely pathogenic.

NM_001042492.3(NF1):c.1506dup (p.Asp503fs)

Gene: NF1 (neurofibromin 1; plus strand). Cytogenetic location: 17q11.2.
Variant type: Duplication.
Coding change: c.1506dup on transcript NM_001042492.3 (MANE Select); coding-DNA position 1506, one base duplicated (A; older notation c.1506dupA).
Protein change: p.Asp503fs; shifts the reading frame from aspartic acid 503.
Molecular consequence: frameshift variant.
Genome position (GRCh38, 1-based): chr17:31,214,564, A duplicated. VCF-style (leftmost placement, unchanged base first): chr17-31214563-C-CA. GRCh37 (hg19) VCF-style: chr17-29541581-C-CA.
Other names: c.1506dup, p.Asp503Argfs (NM_000267.4); c.1506dup, p.Asp503fs (NM_001128147.3); short protein forms D503fs.
Identifiers: ClinVar variation 2920878 (VCV002920878.1), dbSNP rs2544829834, ClinGen allele CA2739267285.